The following is an entry in ClinVar:

NM_000540.3(RYR1):c.7904A>T (p.Glu2635Val)

Gene: RYR1 (ryanodine receptor 1; plus strand). Cytogenetic location: 19q13.2.
Variant type: single nucleotide variant.
Coding change: c.7904A>T on transcript NM_000540.3 (MANE Select); coding-DNA position 7904, A replaced by T.
Protein change: p.Glu2635Val; replaces glutamic acid 2635 with valine.
Molecular consequence: missense variant.
Genome position (GRCh38, 1-based): chr19:38,502,948, A>T. VCF-style: chr19-38502948-A-T. GRCh37 (hg19) VCF-style: chr19-38993588-A-T.
Other names: NM_000540.3(RYR1):c.7904A>T; p.Glu2635Val; c.7904A>T, p.Glu2635Val (NM_001042723.2); short protein forms E2635V.
Identifiers: ClinVar variation 329073 (VCV000329073.33), dbSNP rs755651622, ClinGen allele CA071025.
Genomic context (GRCh38, chr19:38,502,948, plus strand): 5'-GCCCGTCGATGCTGCAGCACCTGTTGCGCCGCCTGGTGTTCGACGTGCCCATCCTCAACG[A>T]GTTCGCCAAGATGCCACTCAAGGTGAGGGCAAGCGCTCTTTAGCATCTCATTTCCAGGCC-3'
Protein context (NP_000531.2, residues 2625-2645): RLVFDVPILN[Glu2635Val]FAKMPLKLLT

ClinVar aggregate classification (germline): Uncertain significance. Review status: reviewed by expert panel (3 of 4 stars). 10 submissions from 9 submitters: Uncertain significance (1). 9 of the submissions do not count toward it. Last evaluated 2025-10-22.

Conditions:
RYR1-related myopathy. Identifiers: Orphanet 98742, MedGen CN305348, MONDO:0100150.
RYR1-related disorder. Also called: RYR1-related condition; RYR1-related disorders. Identifiers: MedGen CN239331.
Congenital multicore myopathy with external ophthalmoplegia (CMYO1B). Also called: Congenital myopathy 1B, autosomal recessive; Minicore myopathy; MULTIMINICORE DISEASE WITH EXTERNAL OPHTHALMOPLEGIA; MULTICORE MYOPATHY; Minicore myopathy with external ophthalmoplegia. Identifiers: Orphanet 598, Orphanet 98905, MedGen C1850674, MONDO:0009712, OMIM 255320, HP:0003789.
Malignant hyperthermia, susceptibility to, 1 (MHS1). Also called: RYR1-Related Malignant Hyperthermia Susceptibility; Anesthesia related hyperthermia; Malignant hyperpyrexia; Fulminating hyperpyrexia; Pharmacogenic myopathy; Malignant hyperthermia suceptibility 1. Identifiers: Orphanet 423, MedGen C2930980, MONDO:0007783, OMIM 145600.
King Denborough syndrome (KDS). Identifiers: MedGen C1840365, MONDO:0020485, OMIM 619542.
Congenital myopathy with fiber type disproportion. Also called: Congenital fiber-type disproportion myopathy; Congenital fiber-type disproportion. Identifiers: Orphanet 2020, MedGen C0546264, MONDO:0009711. Inheritance: all.
Central core myopathy (CMYO1A). Also called: CONGENITAL MYOPATHY 1A, AUTOSOMAL DOMINANT, WITH SUSCEPTIBILITY TO MALIGNANT HYPERTHERMIA; Central core disease; Myopathy, central fibrillar. Identifiers: Orphanet 597, MedGen C5830701, MONDO:0007294, OMIM 117000.

Allele frequency attached by ClinVar (database versions not stated): ExAC 0.00002; gnomAD exomes 0.00004; TOPMed 0.00006; gnomAD 0.00011 and 0.00012.
gnomAD v4.1: 144 of 1,610,322 alleles (0.0089%); highest among the groups gnomAD compares: Non-Finnish European, 0.011%; no homozygotes.

Submissions (10):

ClinGen Congenital Myopathies Variant Curation Expert Panel, ClinGen
Classification: Uncertain significance for RYR1-related myopathy. Last evaluated: 2025-10-22. Review status: reviewed by expert panel. Criteria: ClinGen CongenMyopathy ACMG Specifications RYR1 AR V2.0.0. Collection method: curation. Allele origin: germline. Inheritance: Autosomal recessive inheritance.
Comment: The NM_000540.3(RYR1):c.7904A>T p.(Glu2635Val) variant in the RYR1 gene is a missense variant predicted to cause a substitution of glutamic acid by valine at amino acid 2635. The highest population minor allele frequency in gnomAD v4.1.0 is 0.01% (135/1179992 alleles) in the Non-Finnish European population (no population codes met). The computational predictor REVEL gives a score of 0.862, which is above the Congenital Myopathies VCEP threshold of 0.7, evidence that correlates with impact to RYR1 function (PP3). In summary, this variant meets the criteria to be classified as a variant of uncertain significance for autosomal recessive RYR1-related myopathy based on the ACMG/AMP criteria applied, as specified by the ClinGen Congenital Myopathies VCEP: PP3. (ClinGen Congenital Myopathies VCEP specifications version 2).

CeGaT Center for Human Genetics Tuebingen
Classification: Uncertain significance. Last evaluated: 2026-08-01. Review status: criteria provided, single submitter. Criteria: CeGaT Center For Human Genetics Tuebingen Variant Classification Criteria Version 2. Collection method: clinical testing. Allele origin: germline. Affected: yes. Observed: 2 variant alleles. Not counted in ClinVar's aggregate classification.
Comment: RYR1: PP3

Labcorp Genetics (formerly Invitae), Labcorp
Classification: Uncertain significance for RYR1-related disorder. Last evaluated: 2026-01-12. Review status: criteria provided, single submitter. Criteria: Invitae Variant Classification Sherloc (09022015). Collection method: clinical testing. Allele origin: germline. Not counted in ClinVar's aggregate classification.
Comment: This sequence change replaces glutamic acid, which is acidic and polar, with valine, which is neutral and non-polar, at codon 2635 of the RYR1 protein (p.Glu2635Val). This variant is present in population databases (rs755651622, gnomAD 0.02%), including at least one homozygous and/or hemizygous individual. This missense change has been observed in individual(s) with myopathy (PMID: 37937776). ClinVar contains an entry for this variant (Variation ID: 329073). Invitae Evidence Modeling of protein sequence and biophysical properties (such as structural, functional, and spatial information, amino acid conservation, physicochemical variation, residue mobility, and thermodynamic stability) has been performed for this missense variant. However, the output from this modeling did not meet the statistical confidence thresholds required to predict the impact of this variant on RYR1 protein function. In summary, the available evidence is currently insufficient to determine the role of this variant in disease. Therefore, it has been classified as a Variant of Uncertain Significance.

All of Us Research Program, National Institutes of Health
Classification: Uncertain significance for Malignant hyperthermia, susceptibility to, 1. Last evaluated: 2024-09-23. Review status: criteria provided, single submitter. Criteria: ACMG Guidelines, 2015. Collection method: clinical testing. Allele origin: germline. Inheritance: Autosomal dominant inheritance. Observed: 26 variant alleles, 25 heterozygotes, 1 homozygote. Not counted in ClinVar's aggregate classification.
Comment: This missense variant replaces glutamic acid with valine at codon 2635 of the RYR1 protein. Computational prediction suggests that this variant may have deleterious impact on protein structure and function (internally defined REVEL score threshold >= 0.7, PMID: 27666373). To our knowledge, functional studies have not been reported for this variant. This variant has not been reported in individuals affected with RYR1-related disorders in the literature. This variant has been identified in 25/280072 chromosomes in the general population by the Genome Aggregation Database (gnomAD). The available evidence is insufficient to determine the role of this variant in disease conclusively. Therefore, this variant is classified as a Variant of Uncertain Significance.

This study involves interpretation of variants in research participants for the purpose of population health screening. Participant phenotype was not available at the time of variant classification. Additional details can be found in publication PMID: 35346344, PMCID: PMC8962531

Color Diagnostics, LLC DBA Color Health
Classification: Uncertain significance for Malignant hyperthermia, susceptibility to, 1. Last evaluated: 2024-04-25. Review status: criteria provided, single submitter. Criteria: ACMG Guidelines, 2015. Collection method: clinical testing. Allele origin: germline. Not counted in ClinVar's aggregate classification.
Comment: This missense variant replaces glutamic acid with valine at codon 2635 of the RYR1 protein. Computational prediction suggests that this variant may have deleterious impact on protein structure and function. To our knowledge, functional studies have not been reported for this variant. This variant has not been reported in individuals affected with RYR1-related disorders in the literature. This variant has been identified in 25/280072 chromosomes in the general population by the Genome Aggregation Database (gnomAD). The available evidence is insufficient to determine the role of this variant in disease conclusively. Therefore, this variant is classified as a Variant of Uncertain Significance.

Clinical Genetics Laboratory, Skane University Hospital Lund
Classification: Uncertain significance. Last evaluated: 2022-05-27. Review status: criteria provided, single submitter. Criteria: ACMG Guidelines, 2015. Collection method: clinical testing. Allele origin: germline. Affected: yes. Not counted in ClinVar's aggregate classification.

Fulgent Genetics
Classification: Uncertain significance for Central core myopathy; Malignant hyperthermia, susceptibility to, 1; Congenital myopathy 4A, autosomal dominant; Congenital multicore myopathy with external ophthalmoplegia; King Denborough syndrome. Last evaluated: 2021-08-03. Review status: criteria provided, single submitter. Criteria: ACMG Guidelines, 2015. Collection method: clinical testing. Allele origin: unknown. Not counted in ClinVar's aggregate classification.

Revvity Omics, Revvity
Classification: Uncertain significance. Last evaluated: 2019-11-15. Review status: criteria provided, single submitter. Criteria: ACMG Guidelines, 2015. Collection method: clinical testing. Allele origin: germline. Not counted in ClinVar's aggregate classification.

Illumina Laboratory Services, Illumina
Classification: Uncertain significance for Congenital multicore myopathy with external ophthalmoplegia. Last evaluated: 2018-01-12. Review status: criteria provided, single submitter. Criteria: ICSL Variant Classification Criteria 13 December 2019. Collection method: clinical testing. Allele origin: germline. Not counted in ClinVar's aggregate classification.

Illumina Laboratory Services, Illumina
Classification: Uncertain significance for Malignant hyperthermia, susceptibility to, 1. Last evaluated: 2018-01-12. Review status: criteria provided, single submitter. Criteria: ICSL Variant Classification Criteria 13 December 2019. Collection method: clinical testing. Allele origin: germline. Not counted in ClinVar's aggregate classification.

Literature cited by the submitters: PubMed 37937776 (cited by Labcorp Genetics (formerly Invitae), Labcorp).